The following is an entry in ClinVar:

ClinVar aggregate classification (germline): Uncertain significance. Review status: criteria provided, multiple submitters, no conflicts (2 of 4 stars). 2 submissions from 2 submitters: Uncertain significance (2). Last evaluated 2024-08-30.

Conditions:
Deafness-lymphedema-leukemia syndrome. Also called: Lymphedema, primary, with myelodysplasia; Emberger syndrome. Identifiers: Orphanet 3226, MedGen C3279664, MONDO:0013540, OMIM 614038.
Monocytopenia with susceptibility to infections. Also called: MONOCYTOPENIA AND MYCOBACTERIAL INFECTION SYNDROME; MONOCYTOPENIA WITH SUSCEPTIBILITY TO MYCOBACTERIAL, FUNGAL, AND PAPILLOMAVIRUS INFECTIONS AND MYELODYSPLASIA; COMBINED IMMUNODEFICIENCY WITH SUSCEPTIBILITY TO MYCOBACTERIAL, VIRAL, AND FUNGAL INFECTIONS; Dendritic cell, monocyte, B lymphocyte, and natural killer lymphocyte deficiency; GATA2 DEFICIENCY; IMMUNODEFICIENCY 21. Identifiers: Orphanet 228423, MedGen C3280030, MONDO:0013607, OMIM 614172.

gnomAD v4.1: 1 of 1,613,864 alleles (0.000062%); highest among the groups gnomAD compares: Non-Finnish European, 0.000085%; no homozygotes.

Submissions (2):

Blueprint Genetics
Classification: Uncertain significance. Last evaluated: 2024-08-30. Review status: criteria provided, single submitter. Criteria: ACMG Guidelines, 2015. Collection method: clinical testing. Allele origin: germline.

Labcorp Genetics (formerly Invitae), Labcorp
Classification: Uncertain significance for Monocytopenia with susceptibility to infections; Deafness-lymphedema-leukemia syndrome. Last evaluated: 2024-04-10. Review status: criteria provided, single submitter. Criteria: Invitae Variant Classification Sherloc (09022015). Collection method: clinical testing. Allele origin: germline.
Comment: This sequence change replaces arginine, which is basic and polar, with histidine, which is basic and polar, at codon 283 of the GATA2 protein (p.Arg283His). This variant is not present in population databases (gnomAD no frequency). This variant has not been reported in the literature in individuals affected with GATA2-related conditions. ClinVar contains an entry for this variant (Variation ID: 646599). Advanced modeling of protein sequence and biophysical properties (such as structural, functional, and spatial information, amino acid conservation, physicochemical variation, residue mobility, and thermodynamic stability) has been performed at Invitae for this missense variant, however the output from this modeling did not meet the statistical confidence thresholds required to predict the impact of this variant on GATA2 protein function. In summary, the available evidence is currently insufficient to determine the role of this variant in disease. Therefore, it has been classified as a Variant of Uncertain Significance.

NM_032638.5(GATA2):c.848G>A (p.Arg283His)

Gene: GATA2 (GATA binding protein 2; minus strand). Cytogenetic location: 3q21.3.
Variant type: single nucleotide variant.
Coding change: c.848G>A on transcript NM_032638.5 (MANE Select); coding-DNA position 848, G replaced by A.
Protein change: p.Arg283His; replaces arginine 283 with histidine.
Molecular consequence: missense variant.
Genome position (GRCh38, 1-based): chr3:128,485,750, C>T on the plus strand (G>A on the coding strand, the complement: GATA2 is on the minus strand). VCF-style: chr3-128485750-C-T. GRCh37 (hg19) VCF-style: chr3-128204593-C-T.
Other names: c.848G>A, p.Arg283His (NM_001145661.2, NM_001145662.1); short protein forms R283H.
Identifiers: ClinVar variation 646599 (VCV000646599.7), dbSNP rs1576748346, ClinGen allele CA354405137.